The following is an entry in ClinVar:

ClinVar aggregate classification (germline): Benign. Review status: criteria provided, multiple submitters, no conflicts (2 of 4 stars). 3 submissions from 3 submitters: Benign (3). Last evaluated 2025-06-03.

Allele frequency attached by ClinVar (database versions not stated): 1000 Genomes Project 0.31949; 1000 Genomes Project 30x 0.31980; TOPMed 0.34656; gnomAD 0.35266 and 0.35375; gnomAD exomes 0.37712.
gnomAD v4.1: 219,480 of 591,776 alleles (37%); highest among the groups gnomAD compares: Non-Finnish European, 40%; 41,802 homozygotes.

Submissions (3):

Labcorp Genetics (formerly Invitae), Labcorp
Classification: Benign. Last evaluated: 2025-06-03. Review status: criteria provided, single submitter. Criteria: Invitae Variant Classification Sherloc (09022015). Collection method: clinical testing. Allele origin: germline.

GeneDx
Classification: Benign. Last evaluated: 2018-11-10. Review status: criteria provided, single submitter. Criteria: GeneDx Variant Classification Process June 2021. Collection method: clinical testing. Allele origin: germline. Affected: yes.
Comment: This variant is associated with the following publications: (PMID: 26423325)

Breakthrough Genomics
Classification: Benign. Review status: criteria provided, single submitter. Criteria: ACMG Guidelines, 2015. Collection method: not provided. Allele origin: germline. Inheritance: Unknown mechanism. Affected: yes.

NM_000128.4(F11):c.1481-188C>T

Genes: F11 (coagulation factor XI; plus strand), F11-AS1 (F11 antisense RNA 1; minus strand). Cytogenetic location: 4q35.2.
Variant type: single nucleotide variant.
Coding change: c.1481-188C>T on transcript NM_000128.4 (MANE Select); 188 bases into the intron before coding-DNA position 1481, C replaced by T.
Molecular consequence: intron variant. On other transcripts: non-coding transcript variant (1).
Genome position (GRCh38, 1-based): chr4:186,286,227, C>T. VCF-style: chr4-186286227-C-T. GRCh37 (hg19) VCF-style: chr4-187207381-C-T.
Identifiers: ClinVar variation 760971 (VCV000760971.13), dbSNP rs2289252, ClinGen allele CA11798591.